The following is an entry in ClinVar:

NM_002439.5(MSH3):c.3041T>C (p.Val1014Ala)

Gene: MSH3 (mutS homolog 3; plus strand). Cytogenetic location: 5q14.1.
Variant type: single nucleotide variant.
Coding change: c.3041T>C on transcript NM_002439.5 (MANE Select); coding-DNA position 3041, T replaced by C.
Protein change: p.Val1014Ala; replaces valine 1014 with alanine.
Molecular consequence: missense variant.
Genome position (GRCh38, 1-based): chr5:80,864,853, T>C. VCF-style: chr5-80864853-T-C. GRCh37 (hg19) VCF-style: chr5-80160672-T-C.
Other names: short protein forms V1014A.
Identifiers: ClinVar variation 852869 (VCV000852869.9), dbSNP rs1746073412, ClinGen allele CA360346188.

ClinVar aggregate classification (germline): Uncertain significance (1 of 4 stars; one submission).

Submission:

Labcorp Genetics (formerly Invitae), Labcorp
Classification: Uncertain significance. Last evaluated: 2022-08-23. Review status: criteria provided, single submitter. Criteria: Invitae Variant Classification Sherloc (09022015). Collection method: clinical testing. Allele origin: germline.
Comment: In summary, the available evidence is currently insufficient to determine the role of this variant in disease. Therefore, it has been classified as a Variant of Uncertain Significance. Algorithms developed to predict the effect of missense changes on protein structure and function are either unavailable or do not agree on the potential impact of this missense change (SIFT: "Deleterious"; PolyPhen-2: "Possibly Damaging"; Align-GVGD: "Class C0"). ClinVar contains an entry for this variant (Variation ID: 852869). This variant has not been reported in the literature in individuals affected with MSH3-related conditions. This variant is not present in population databases (gnomAD no frequency). This sequence change replaces valine, which is neutral and non-polar, with alanine, which is neutral and non-polar, at codon 1014 of the MSH3 protein (p.Val1014Ala).